The following is an entry in ClinVar:

NM_004260.4(RECQL4):c.2201-1G>A

Gene: RECQL4 (RecQ like helicase 4; minus strand). Cytogenetic location: 8q24.3.
Variant type: single nucleotide variant.
Coding change: c.2201-1G>A on transcript NM_004260.4 (MANE Select); the canonical splice acceptor site of the intron before coding-DNA position 2201, G replaced by A.
Molecular consequence: splice acceptor variant.
Genome position (GRCh38, 1-based): chr8:144,513,481, C>T on the plus strand (G>A on the coding strand, the complement: RECQL4 is on the minus strand). VCF-style: chr8-144513481-C-T. GRCh37 (hg19) VCF-style: chr8-145738865-C-T.
Other names: c.2201-1G>A (NM_004260.3, NM_001413018.1, NM_001413036.1 and 1 more transcripts); c.2072-1G>A (NM_001413025.1); c.1850-1G>A (NM_001413029.1); c.1064-1G>A (NM_001413032.1, NM_001413027.1, NM_001413030.1 and 1 more transcripts); c.1130-1G>A (NM_001413035.1, NM_001413040.1, NM_001413021.1 and 6 more transcripts); c.2105-1G>A (NM_001413017.1, NM_001413020.1); c.2171-1G>A (NM_001413039.1); c.2069-1G>A (NM_001413033.1); and 4 more.
Identifiers: ClinVar variation 2693874 (VCV002693874.5), dbSNP rs752895450, ClinGen allele CA4948388.

ClinVar aggregate classification (germline): Likely pathogenic. Review status: criteria provided, single submitter (1 of 4 stars). 2 submissions from 2 submitters: Likely pathogenic (1). 1 of the submissions does not count toward it. Last evaluated 2023-05-22.

Conditions:
Baller-Gerold syndrome (BGS). Also called: CRANIOSYNOSTOSIS WITH RADIAL DEFECTS. Identifiers: Orphanet 1225, MedGen C0265308, MONDO:0009039, OMIM 218600.
RECQL4-related disorder. Also called: RECQL4-related condition; RECQL4-related disorders.

Allele frequency attached by ClinVar (database versions not stated): gnomAD exomes below 0.00001.
gnomAD v4.1: 3 of 1,610,064 alleles (0.00019%); highest among the groups gnomAD compares: South Asian, 0.0011%; no homozygotes.

Submissions (2):

Labcorp Genetics (formerly Invitae), Labcorp
Classification: Likely pathogenic for Baller-Gerold syndrome. Last evaluated: 2023-05-22. Review status: criteria provided, single submitter. Criteria: Invitae Variant Classification Sherloc (09022015). Collection method: clinical testing. Allele origin: germline.
Comment: In summary, the currently available evidence indicates that the variant is pathogenic, but additional data are needed to prove that conclusively. Therefore, this variant has been classified as Likely Pathogenic. Algorithms developed to predict the effect of sequence changes on RNA splicing suggest that this variant may disrupt the consensus splice site. This variant has not been reported in the literature in individuals affected with RECQL4-related conditions. This variant is present in population databases (rs752895450, gnomAD 0.0009%). This sequence change affects an acceptor splice site in intron 13 of the RECQL4 gene. It is expected to disrupt RNA splicing. Variants that disrupt the donor or acceptor splice site typically lead to a loss of protein function (PMID: 16199547), and loss-of-function variants in RECQL4 are known to be pathogenic (PMID: 12734318, 12952869).

PreventionGenetics, part of Exact Sciences
Classification: Likely pathogenic for RECQL4-related condition. Last evaluated: 2024-01-08. Review status: no assertion criteria provided. Collection method: clinical testing. Allele origin: germline. Not counted in ClinVar's aggregate classification.
Comment: The RECQL4 c.2201-1G>A variant is predicted to disrupt the AG splice acceptor site and interfere with normal splicing. To our knowledge, this variant has not been reported in the literature. This variant is reported in 0.00091% of alleles in individuals of European (Non-Finnish) descent in gnomAD. Variants that disrupt the consensus splice acceptor site in RECQL4 are expected to be pathogenic. This variant is interpreted as likely pathogenic.

Literature cited by the submitters: PubMed 16199547 (cited by Labcorp Genetics (formerly Invitae), Labcorp); PubMed 12734318 (cited by Labcorp Genetics (formerly Invitae), Labcorp); PubMed 12952869 (cited by Labcorp Genetics (formerly Invitae), Labcorp).